The following is an entry in ClinVar:

ClinVar aggregate classification (germline): Likely pathogenic (1 of 4 stars; one submission).

Conditions:
SMARCC1-associated developmental dysgenesis syndrome. Also called: SMARCC1-related BAFopathy. Identifiers: MedGen CN306940, MONDO:0700123.

gnomAD v4.1: 1 of 1,614,142 alleles (0.000062%); highest among the groups gnomAD compares: Non-Finnish European, 0.000085%; no homozygotes.

Submission:

New York Genome Center
Classification: Likely pathogenic for SMARCC1-associated developmental dysgenesis syndrome. Last evaluated: 2024-08-28. Review status: criteria provided, single submitter. Criteria: NYGC Assertion Criteria 2020. Collection method: clinical testing. Allele origin: germline. Observed: 1 variant allele, 1 heterozygote.
Comment: The heterozygous c.2863C>T variant identified in the SMARCC1 gene is a single nucleotide variant predicted to lead to the introduction of a nonsense codon at amino acid 955/1106 (p.(Arg955Ter) within exon 26/28. This variant is expected to undergo nonsense mediated decay leading to loss of function, and a nonsense variant downstream of the one identified here has been reported in an individuals with SMARCC1-associated disorder with evidence that the variant transcript is subjected to nonsense mediated decay in that individual [PMID:34906496]. This variant is found with low frequency in gnomADv4.1.0 (1.25e-7, 1 heterozygote, 0 homozygotes) suggesting it is not a common benign variant in the populations represented in those databases. This variant is absent from ClinVar and to our current knowledge has not been previously reported in affected individuals in the literature, however other loss of function variants have been reported both upstream and downstream of the one identified here [PMID:37500730, 34906496, 32732226, 38128548]. The mechanism for SMARCC1 associated disorder is loss of function. Given the available evidence the heterozygous c.2863C>T, p.(Arg955Ter) variant identified in the SMARCC1 gene is reported as Likely Pathogenic.

NM_003074.4(SMARCC1):c.2863C>T (p.Arg955Ter)

Gene: SMARCC1 (SWI/SNF related BAF chromatin remodeling complex subunit C1; minus strand). Cytogenetic location: 3p21.31.
Variant type: single nucleotide variant.
Coding change: c.2863C>T on transcript NM_003074.4 (MANE Select); coding-DNA position 2863, C replaced by T.
Protein change: p.Arg955Ter; replaces arginine 955 with a stop codon.
Molecular consequence: nonsense.
Genome position (GRCh38, 1-based): chr3:47,610,246, G>A on the plus strand (C>T on the coding strand, the complement: SMARCC1 is on the minus strand). VCF-style: chr3-47610246-G-A. GRCh37 (hg19) VCF-style: chr3-47651736-G-A.
Other names: short protein forms R955*.
Identifiers: ClinVar variation 4888323 (VCV004888323.1).